The following is an entry in ClinVar:

ClinVar aggregate classification (germline): Benign (0 of 4 stars; one submission).

Conditions:
TJP1-related disorder. Also called: TJP1-related condition.

Submission:

PreventionGenetics, part of Exact Sciences
Classification: Benign for TJP1-related condition. Last evaluated: 2019-10-31. Review status: no assertion criteria provided. Collection method: clinical testing. Allele origin: germline.
Comment: This variant is classified as benign based on ACMG/AMP sequence variant interpretation guidelines (Richards et al. 2015 PMID: 25741868, with internal and published modifications).

NM_001330239.4(TJP1):c.3877-9_3877-7del

Genes: TJP1 (tight junction protein 1; minus strand), LOC126862085 (P300/CBP strongly-dependent group 1 enhancer GRCh37_chr15:30010173-30011372; plus strand). Cytogenetic location: 15q13.1.
Variant type: Deletion.
Coding change: c.3877-9_3877-7del on transcript NM_001330239.4 (MANE Select); 9 bases into the intron before coding-DNA position 3877 through 7 bases into the intron before coding-DNA position 3877, 3 bases deleted (TTT; older notation c.3877-9_3877-7delTTT).
Molecular consequence: intron variant.
Genome position (GRCh38, 1-based): chr15:29,718,125-29,718,127, AAA deleted on the plus strand (TTT on the coding strand, the reverse complement: TJP1 is on the minus strand); deleting any 3 consecutive bases within chr15:29,718,125-29,718,144 gives the same sequence; the c. name uses the placement nearest the transcript's 3' end. VCF-style (leftmost placement, unchanged base first): chr15-29718124-TAAA-T. GRCh37 (hg19) VCF-style: chr15-30010328-TAAA-T.
Other names: c.4156-9_4156-7del (NM_001355012.2, NM_001301025.3); c.3637-9_3637-7del (NM_175610.4, NM_001355015.2); c.3877-9_3877-7del (NM_003257.5, NM_001355014.2); c.3649-9_3649-7del (NM_001301026.2); c.3889-9_3889-7del (NM_001355013.1).
Identifiers: ClinVar variation 3041210 (VCV003041210.2), dbSNP rs563006679, ClinGen allele CA7446663.